The following is an entry in ClinVar:

ClinVar aggregate classification (germline): Uncertain significance (1 of 4 stars; one submission).

Conditions:
21-Hydroxylase-Deficient Congenital Adrenal Hyperplasia. Also called: ADRENAL HYPERPLASIA III; ADRENAL HYPERPLASIA, CONGENITAL, DUE TO 21-HYDROXYLASE DEFICIENCY. Identifiers: MedGen C2936858, OMIM 201910.

Submission:

Lildballe Lab, Aarhus University Hospital
Classification: Uncertain significance for congenital adrenal hyperplasia, due to 21-hydroxylase deficiency. Last evaluated: 2025-10-09. Review status: criteria provided, single submitter. Criteria: ACMG Guidelines, 2015. Collection method: research. Allele origin: germline. Affected: yes.
Comment: PM1 PP2 PM2sup

NM_000500.9(CYP21A2):c.1087G>A (p.Ala363Thr)

Genes: CYP21A2 (cytochrome P450 family 21 subfamily A member 2; plus strand), LOC106780800 (CYP21A2 recombination region; plus strand). Cytogenetic location: 6p21.33.
Variant type: single nucleotide variant.
Coding change: c.1087G>A on transcript NM_000500.9 (MANE Select); coding-DNA position 1087, G replaced by A.
Protein change: p.Ala363Thr; replaces alanine 363 with threonine.
Molecular consequence: missense variant.
Genome position (GRCh38, 1-based): chr6:32,040,553, G>A. VCF-style: chr6-32040553-G-A. GRCh37 (hg19) VCF-style: chr6-32008330-G-A.
Other names: c.997G>A, p.Ala333Thr (NM_001128590.4); c.682G>A, p.Ala228Thr (NM_001368143.2, NM_001368144.2); short protein forms A228T, A333T, A363T.
Identifiers: ClinVar variation 4538549 (VCV004538549.1).
Genomic context (GRCh38, chr6:32,040,553, plus strand): 5'-CTGCCCTTGCTCAATGCCACCATCGCCGAGGTGCTGCGCCTGCGGCCCGTTGTGCCCTTA[G>A]CCTTGCCCCACCGCACCACACGGCCCAGCAGGTGACTCCCGAGGGTTGGGGATGAGTGAG-3'
Protein context (NP_000491.4, residues 353-373): VLRLRPVVPL[Ala363Thr]LPHRTTRPSS